The following is an entry in ClinVar:

NM_004171.4(SLC1A2):c.29T>G (p.Met10Arg)

Gene: SLC1A2 (solute carrier family 1 member 2; minus strand). Cytogenetic location: 11p13.
Variant type: single nucleotide variant.
Coding change: c.29T>G on transcript NM_004171.4 (MANE Select); coding-DNA position 29, T replaced by G.
Protein change: p.Met10Arg; replaces methionine 10 with arginine.
Molecular consequence: missense variant. On other transcripts: initiator codon variant (3).
Genome position (GRCh38, 1-based): chr11:35,317,505, A>C on the plus strand (T>G on the coding strand, the complement: SLC1A2 is on the minus strand). VCF-style: chr11-35317505-A-C. GRCh37 (hg19) VCF-style: chr11-35339052-A-C.
Other names: c.2T>G, p.Met1Arg (NM_001195728.3, NM_001252652.2, NM_001439341.1); c.17T>G, p.Met6Arg (NM_001439342.1); c.29T>G, p.Met10Arg (NM_001439343.1); short protein forms M10R, M1R, M6R.
Identifiers: ClinVar variation 4706648 (VCV004706648.1).

ClinVar aggregate classification (germline): Uncertain significance (1 of 4 stars; one submission).

Submission:

Labcorp Genetics (formerly Invitae), Labcorp
Classification: Uncertain significance. Last evaluated: 2025-12-05. Review status: criteria provided, single submitter. Criteria: Invitae Variant Classification Sherloc (09022015). Collection method: clinical testing. Allele origin: germline.
Comment: This sequence change replaces methionine, which is neutral and non-polar, with arginine, which is basic and polar, at codon 10 of the SLC1A2 protein (p.Met10Arg). This variant is not present in population databases (gnomAD no frequency). This variant has not been reported in the literature in individuals affected with SLC1A2-related conditions. An algorithm developed to predict the effect of missense changes on protein structure and function (PolyPhen-2) suggests that this variant is likely to be tolerated. In summary, the available evidence is currently insufficient to determine the role of this variant in disease. Therefore, it has been classified as a Variant of Uncertain Significance.